The following is an entry in ClinVar:

ClinVar aggregate classification (germline): Likely benign (1 of 4 stars; one submission).

Submission:

CeGaT Center for Human Genetics Tuebingen
Classification: Likely benign. Last evaluated: 2022-04-01. Review status: criteria provided, single submitter. Criteria: CeGaT Center For Human Genetics Tuebingen Variant Classification Criteria Version 2. Collection method: clinical testing. Allele origin: germline. Affected: yes. Observed: 1 variant allele.
Comment: RIN2: PM2:Supporting, BP4, BP7

NM_018993.4(RIN2):c.1092G>A (p.Gln364=)

Gene: RIN2 (Ras and Rab interactor 2; plus strand). Cytogenetic location: 20p11.23.
Variant type: single nucleotide variant.
Coding change: c.1092G>A on transcript NM_018993.4 (MANE Select); coding-DNA position 1092, G replaced by A.
Protein change: p.Gln364=; no amino-acid change (glutamine 364 retained).
Molecular consequence: synonymous variant.
Genome position (GRCh38, 1-based): chr20:19,975,117, G>A. VCF-style: chr20-19975117-G-A. GRCh37 (hg19) VCF-style: chr20-19955761-G-A.
Other names: c.1239G>A, p.Gln413= (NM_001242581.2); c.474G>A, p.Gln158= (NM_001378238.1).
Identifiers: ClinVar variation 2652227 (VCV002652227.24), dbSNP rs2515510861, ClinGen allele CA510157194.